The following is an entry in ClinVar:

NM_000138.5(FBN1):c.8107G>A (p.Gly2703Ser)

Gene: FBN1 (fibrillin 1; minus strand). Cytogenetic location: 15q21.1.
Variant type: single nucleotide variant.
Coding change: c.8107G>A on transcript NM_000138.5 (MANE Select); coding-DNA position 8107, G replaced by A.
Protein change: p.Gly2703Ser; replaces glycine 2703 with serine.
Molecular consequence: missense variant.
Genome position (GRCh38, 1-based): chr15:48,412,688, C>T on the plus strand (G>A on the coding strand, the complement: FBN1 is on the minus strand). VCF-style: chr15-48412688-C-T. GRCh37 (hg19) VCF-style: chr15-48704885-C-T.
Other names: c.8107G>A, p.Gly2703Ser (NM_001406716.1); short protein forms G2703S.
Identifiers: ClinVar variation 2442868 (VCV002442868.4), dbSNP rs764120982, ClinGen allele CA059633.
Genomic context (GRCh38, chr15:48,412,688, plus strand): 5'-AGCCATTGATCTTACACTCGTAACAAGCCTCTGGGGAGAGTGAATTGTCATCCATTTCAC[C>T]ACTGACAGGTGGCTCTGGGTTTCCTCGGCCCATGCCCATTCCAGAAACACAGTGCCTGCA-3'
Protein context (NP_000129.3, residues 2693-2713): GRGNPEPPVS[Gly2703Ser]EMDDNSLSPE

ClinVar aggregate classification (germline): Uncertain significance. Review status: criteria provided, multiple submitters, no conflicts (2 of 4 stars). 2 submissions from 2 submitters: Uncertain significance (2). Last evaluated 2022-12-07.

Conditions:
Familial thoracic aortic aneurysm and aortic dissection (TAAD). Also called: Thoracic aortic aneurysms and dissections. Identifiers: Orphanet 91387, MedGen C4707243, MONDO:0019625.
Marfan syndrome (MFS). Also called: MARFAN SYNDROME, TYPE I; FBN1-Related Marfan Syndrome; Marfan syndrome type 1; Marfan's syndrome; Marfan syndrome, classic. Identifiers: Orphanet 284963, Orphanet 558, MedGen C0024796, MONDO:0007947, OMIM 154700.

Allele frequency attached by ClinVar (database versions not stated): gnomAD exomes 0.00001; TOPMed below 0.00001; ExAC 0.00001; gnomAD 0.00001.
gnomAD v4.1: 18 of 1,614,106 alleles (0.0011%); highest among the groups gnomAD compares: South Asian, 0.0055%; no homozygotes.

Submissions (2):

All of Us Research Program, National Institutes of Health
Classification: Uncertain significance for Marfan syndrome. Last evaluated: 2022-12-07. Review status: criteria provided, single submitter. Criteria: ACMG Guidelines, 2015. Collection method: clinical testing. Allele origin: germline. Inheritance: Autosomal dominant inheritance. Observed: 1 variant allele, 1 heterozygote.
Comment: This missense variant replaces glycine with serine at codon 2703 of the FBN1 protein. Computational prediction suggests that this variant may not impact protein structure and function (internally defined REVEL score threshold <= 0.5, PMID: 27666373). To our knowledge, functional studies have not been reported for this variant. This variant has not been reported in individuals affected with cardiovascular disorders in the literature. This variant has been identified in 3/251450 chromosomes in the general population by the Genome Aggregation Database (gnomAD). The available evidence is insufficient to determine the role of this variant in disease conclusively. Therefore, this variant is classified as a Variant of Uncertain Significance.

This study involves interpretation of variants in research participants for the purpose of population health screening. Participant phenotype was not available at the time of variant classification. Additional details can be found in publication PMID: 35346344, PMCID: PMC8962531

CHEO Genetics Diagnostic Laboratory, Children's Hospital of Eastern Ontario
Classification: Uncertain significance for Familial thoracic aortic aneurysm and aortic dissection. Last evaluated: 2022-10-05. Review status: criteria provided, single submitter. Criteria: ACMG Guidelines, 2015. Collection method: clinical testing. Allele origin: germline.